The following is an entry in ClinVar:

ClinVar aggregate classification (germline): Uncertain significance (1 of 4 stars; one submission).

Conditions:
Desmin-related myofibrillar myopathy (MFM1). Also called: Desminopathy; Desmin related myopathy (former name); Desmin storage myopathy (former name); MYOFIBRILLAR MYOPATHY WITH ARRHYTHMOGENIC RIGHT VENTRICULAR CARDIOMYOPATHY; DESMIN-RELATED MYOPATHY WITH ARRHYTHMOGENIC RIGHT VENTRICULAR CARDIOMYOPATHY; Myofibrillar myopathy 1. Identifiers: Orphanet 363543, Orphanet 98909, MedGen C1832370, MONDO:0011076, OMIM 601419.

Submission:

Labcorp Genetics (formerly Invitae), Labcorp
Classification: Uncertain significance for Desmin-related myofibrillar myopathy. Last evaluated: 2026-01-26. Review status: criteria provided, single submitter. Criteria: Invitae Variant Classification Sherloc (09022015). Collection method: clinical testing. Allele origin: germline.
Comment: This sequence change replaces arginine, which is basic and polar, with glycine, which is neutral and non-polar, at codon 15 of the DES protein (p.Arg15Gly). This variant is present in population databases (rs756390565, gnomAD 0.001%). This variant has not been reported in the literature in individuals affected with DES-related conditions. ClinVar contains an entry for this variant (Variation ID: 2924047). Invitae Evidence Modeling of protein sequence and biophysical properties (such as structural, functional, and spatial information, amino acid conservation, physicochemical variation, residue mobility, and thermodynamic stability) has been performed for this missense variant. However, the output from this modeling did not meet the statistical confidence thresholds required to predict the impact of this variant on DES protein function. In summary, the available evidence is currently insufficient to determine the role of this variant in disease. Therefore, it has been classified as a Variant of Uncertain Significance.

NM_001927.4(DES):c.43C>G (p.Arg15Gly)

Gene: DES (desmin; plus strand). Cytogenetic location: 2q35.
Variant type: single nucleotide variant.
Coding change: c.43C>G on transcript NM_001927.4 (MANE Select); coding-DNA position 43, C replaced by G.
Protein change: p.Arg15Gly; replaces arginine 15 with glycine.
Molecular consequence: missense variant.
Genome position (GRCh38, 1-based): chr2:219,418,505, C>G. VCF-style: chr2-219418505-C-G. GRCh37 (hg19) VCF-style: chr2-220283227-C-G.
Other names: c.43C>G, p.Arg15Gly (NM_001382708.1, NM_001382709.1, NM_001382710.1 and 3 more transcripts); short protein forms R15G.
Identifiers: ClinVar variation 2924047 (VCV002924047.3), dbSNP rs756390565, ClinGen allele CA2125007.
Genomic context (GRCh38, chr2:219,418,505, plus strand): 5'-CTCGCCCGCGCCGTCACCATGAGCCAGGCCTACTCGTCCAGCCAGCGCGTGTCCTCCTAC[C>G]GCCGCACCTTCGGCGGGGCCCCGGGCTTCCCACTCGGCTCCCCGCTGAGTTCGCCCGTGT-3'
Protein context (NP_001918.3, residues 5-25): YSSSQRVSSY[Arg15Gly]RTFGGAPGFP